The following is an entry in ClinVar:

ClinVar aggregate classification (germline): Pathogenic (1 of 4 stars; one submission).

Conditions:
Glycine encephalopathy. Also called: Non-ketotic hyperglycinemia; Nonketotic hyperglycinemia. Identifiers: Orphanet 407, MedGen C0751748, MONDO:0011612, HP:0008288.

Submission:

Labcorp Genetics (formerly Invitae), Labcorp
Classification: Pathogenic for Non-ketotic hyperglycinemia. Last evaluated: 2019-12-23. Review status: criteria provided, single submitter. Criteria: Invitae Variant Classification Sherloc (09022015). Collection method: clinical testing. Allele origin: germline.
Comment: This variant is a gross deletion of the genomic region encompassing exons 1-2 of the GLDC gene, which includes the initiator codon. The 5' end of this event is unknown as it extends beyond the assayed region for this gene and therefore may encompass additional genes. The 3' boundary is likely confined to intron 2 of the GLDC gene. This is expected to result in an absent or disrupted protein product. Similar deletions of exons 1 to 2 have been observed in individuals affected with glycine encephalopathy (non-ketotic hyperglycinemia) (PMID: 17361008). This finding is consistent with autosomal recessive inheritance, and suggests that this variant contributes to disease. Loss-of-function variants in GLDC are known to be pathogenic (PMID: 16601880). For these reasons, this variant has been classified as Pathogenic.

Literature cited by the submitters: PubMed 17361008.

NC_000009.12:g.(?_6644594)_(6645519_?)del

Gene: GLDC (glycine decarboxylase; minus strand). Cytogenetic location: 9p24.1.
Variant type: Deletion.
Identifiers: ClinVar variation 643709 (VCV000643709.2).